The following is an entry in ClinVar:

ClinVar aggregate classification (germline): Pathogenic. Review status: criteria provided, multiple submitters, no conflicts (2 of 4 stars). 2 submissions from 2 submitters: Pathogenic (2). Last evaluated 2025-07-09.

Conditions:
Hereditary cancer-predisposing syndrome. Also called: Neoplastic Syndromes, Hereditary; Hereditary Cancer Syndrome; Hereditary neoplastic syndrome; Tumor predisposition. Identifiers: Orphanet 140162, MedGen C0027672, MeSH D009386, MONDO:0015356.

Submissions (2):

Ambry Genetics
Classification: Pathogenic for Hereditary cancer-predisposing syndrome. Last evaluated: 2025-07-09. Review status: criteria provided, single submitter. Criteria: Ambry Variant Classification Scheme 2023. Collection method: clinical testing. Allele origin: germline.
Comment: The c.1745_1746insTGGAA variant, located in coding exon 11 of the CTNNA1 gene, results from an insertion of 5 nucleotides at position 1745, causing a translational frameshift with a predicted alternate stop codon (p.V583Gfs*11). This alteration is expected to result in loss of function by premature protein truncation or nonsense-mediated mRNA decay. As such, this alteration is interpreted as a disease-causing mutation.

Labcorp Genetics (formerly Invitae), Labcorp
Classification: Pathogenic. Last evaluated: 2023-09-20. Review status: criteria provided, single submitter. Criteria: Invitae Variant Classification Sherloc (09022015). Collection method: clinical testing. Allele origin: germline.
Comment: For these reasons, this variant has been classified as Pathogenic. This variant has not been reported in the literature in individuals affected with CTNNA1-related conditions. This variant is not present in population databases (gnomAD no frequency). This sequence change creates a premature translational stop signal (p.Val583Glyfs*11) in the CTNNA1 gene. It is expected to result in an absent or disrupted protein product. Loss-of-function variants in CTNNA1 are known to be pathogenic (PMID: 32051609, 34425242).

Literature cited by the submitters: PubMed 32051609 (cited by Labcorp Genetics (formerly Invitae), Labcorp); PubMed 34425242 (cited by Labcorp Genetics (formerly Invitae), Labcorp).

NM_001903.5(CTNNA1):c.1745_1746insTGGAA (p.Val583fs)

Gene: CTNNA1 (catenin alpha 1; plus strand). Cytogenetic location: 5q31.2.
Variant type: Insertion.
Coding change: c.1745_1746insTGGAA on transcript NM_001903.5 (MANE Select); coding-DNA positions 1745 to 1746, TGGAA inserted.
Protein change: p.Val583fs; shifts the reading frame from valine 583.
Molecular consequence: frameshift variant.
Genome position: GRCh38 VCF-style: chr5-138924708-C-CTGGAA. GRCh37 (hg19) VCF-style: chr5-138260397-C-CTGGAA.
Other names: c.1745_1746insTGGAA, p.Val583fs (NM_001290307.3, NM_001323982.2, NM_001323983.1 and 2 more transcripts); c.1436_1437insTGGAA, p.Val480fs (NM_001290309.3); c.1376_1377insTGGAA, p.Val460fs (NM_001290310.3); c.635_636insTGGAA, p.Val213fs (NM_001290312.1, NM_001323987.1, NM_001323988.1 and 17 more transcripts); c.1652_1653insTGGAA, p.Val552fs (NM_001323986.2); c.296_297insTGGAA, p.Val100fs (NM_001324006.1, NM_001324007.1, NM_001324008.1 and 2 more transcripts); c.542_543insTGGAA, p.Val182fs (NM_001324011.1); c.392_393insTGGAA, p.Val132fs (NM_001324012.1, NM_001324013.1); and 1 more; short protein forms V100fs, V182fs, V552fs, V583fs, V132fs, V460fs, V480fs, V213fs.
Identifiers: ClinVar variation 2762069 (VCV002762069.5), dbSNP rs2533714564, ClinGen allele CA2697546517.